The following is an entry in ClinVar:

ClinVar aggregate classification (germline): Uncertain significance. Review status: criteria provided, multiple submitters, no conflicts (2 of 4 stars). 2 submissions from 2 submitters: Uncertain significance (2). Last evaluated 2022-12-12.

Conditions:
Hereditary breast ovarian cancer syndrome. Also called: Hereditary breast and ovarian cancer syndrome; BRCA1- and BRCA2-Associated Hereditary Breast and Ovarian Cancer; Hereditary breast and ovarian cancer syndrome (HBOC); Hereditary breast and/or ovarian cancer syndrome; Breast and ovarian cancer; Hereditary breast and ovarian cancer. Identifiers: Orphanet 145, MedGen C0677776, MeSH D061325, MONDO:0003582. Disease mechanism: loss of function.

Submissions (2):

Labcorp Genetics (formerly Invitae), Labcorp
Classification: Uncertain significance for Hereditary breast ovarian cancer syndrome. Last evaluated: 2022-12-12. Review status: criteria provided, single submitter. Criteria: Invitae Variant Classification Sherloc (09022015). Collection method: clinical testing. Allele origin: germline.
Comment: Advanced modeling of protein sequence and biophysical properties (such as structural, functional, and spatial information, amino acid conservation, physicochemical variation, residue mobility, and thermodynamic stability) performed at Invitae indicates that this missense variant is not expected to disrupt BRCA2 protein function. ClinVar contains an entry for this variant (Variation ID: 1678942). In summary, the available evidence is currently insufficient to determine the role of this variant in disease. Therefore, it has been classified as a Variant of Uncertain Significance. This variant has not been reported in the literature in individuals affected with BRCA2-related conditions. This variant is not present in population databases (gnomAD no frequency). This sequence change replaces valine, which is neutral and non-polar, with isoleucine, which is neutral and non-polar, at codon 3283 of the BRCA2 protein (p.Val3283Ile).

National Health Laboratory Service, Universitas Academic Hospital and University of the Free State
Classification: Uncertain significance for Hereditary breast ovarian cancer syndrome. Last evaluated: 2022-04-19. Review status: criteria provided, single submitter. Criteria: ACMG Guidelines, 2015. Collection method: clinical testing. Allele origin: germline. Affected: yes. Observed: 1 variant allele.

NM_000059.4(BRCA2):c.9847G>A (p.Val3283Ile)

Gene: BRCA2 (BRCA2 DNA repair associated; plus strand). Cytogenetic location: 13q13.1.
Variant type: single nucleotide variant.
Coding change: c.9847G>A on transcript NM_000059.4 (MANE Select); coding-DNA position 9847, G replaced by A.
Protein change: p.Val3283Ile; replaces valine 3283 with isoleucine.
Molecular consequence: missense variant.
Genome position (GRCh38, 1-based): chr13:32,398,360, G>A. VCF-style: chr13-32398360-G-A. GRCh37 (hg19) VCF-style: chr13-32972497-G-A.
Other names: NP_000050.3:p.Val3283Ile; short protein forms V3283I.
Identifiers: ClinVar variation 1678942 (VCV001678942.4), dbSNP rs2137664388, ClinGen allele CA387766450.
Genomic context (GRCh38, chr13:32,398,360, plus strand): 5'-AAGAACTGCAAAAAGAGAAGAGCCTTGGATTTCTTGAGTAGACTGCCTTTACCTCCACCT[G>A]TTAGTCCCATTTGTACATTTGTTTCTCCGGCTGCACAGAAGGCATTTCAGCCACCAAGGA-3'
Protein context (NP_000050.3, residues 3273-3293): FLSRLPLPPP[Val3283Ile]SPICTFVSPA